The following is an entry in ClinVar:

NM_000130.5(F5):c.5219T>G (p.Ile1740Ser)

Gene: F5 (coagulation factor V; minus strand). Cytogenetic location: 1q24.2.
Variant type: single nucleotide variant.
Coding change: c.5219T>G on transcript NM_000130.5 (MANE Select); coding-DNA position 5219, T replaced by G.
Protein change: p.Ile1740Ser; replaces isoleucine 1740 with serine.
Molecular consequence: missense variant.
Genome position (GRCh38, 1-based): chr1:169,529,808, A>C on the plus strand (T>G on the coding strand, the complement: F5 is on the minus strand). VCF-style: chr1-169529808-A-C. GRCh37 (hg19) VCF-style: chr1-169499046-A-C.
Other names: short protein forms I1740S.
Identifiers: ClinVar variation 1315402 (VCV001315402.2), dbSNP rs1210070876, ClinGen allele CA343131323.

ClinVar aggregate classification (germline): Uncertain significance (1 of 4 stars; one submission).

Submission:

GeneDx
Classification: Uncertain significance. Last evaluated: 2020-03-16. Review status: criteria provided, single submitter. Criteria: GeneDx Variant Classification Process June 2021. Collection method: clinical testing. Allele origin: germline. Affected: yes.
Comment: Not observed in large population cohorts (Lek et al., 2016); In silico analysis supports that this missense variant has a deleterious effect on protein structure/function; Has not been previously published as pathogenic or benign to our knowledge